The following is an entry in ClinVar:

NM_016218.6(POLK):c.2290C>A (p.Arg764Ser)

Gene: POLK (DNA polymerase kappa; plus strand). Cytogenetic location: 5q13.3.
Variant type: single nucleotide variant.
Coding change: c.2290C>A on transcript NM_016218.6 (MANE Select); coding-DNA position 2290, C replaced by A.
Protein change: p.Arg764Ser; replaces arginine 764 with serine.
Molecular consequence: missense variant. On other transcripts: non-coding transcript variant (3).
Genome position (GRCh38, 1-based): chr5:75,596,983, C>A. VCF-style: chr5-75596983-C-A. GRCh37 (hg19) VCF-style: chr5-74892808-C-A.
Other names: c.2092C>A, p.Arg698Ser (NM_001345921.3, NM_001395900.1); c.2020C>A, p.Arg674Ser (NM_001345922.3, NM_001395893.1, NM_001395902.1); c.2281C>A, p.Arg761Ser (NM_001387110.3); c.2332C>A, p.Arg778Ser (NM_001387111.3, NM_001395894.1); c.2290C>A, p.Arg764Ser (NM_001387113.3); c.2329C>A, p.Arg777Ser (NM_001395897.1); c.2137C>A, p.Arg713Ser (NM_001395899.1); c.2050C>A, p.Arg684Ser (NM_001395901.1); short protein forms R674S, R684S, R698S, R713S, R761S, R764S, R777S, R778S.
Identifiers: ClinVar variation 5040961 (VCV005040961.1).

ClinVar aggregate classification (germline): Uncertain significance (1 of 4 stars; one submission).

Submission:

CeGaT Center for Human Genetics Tuebingen
Classification: Uncertain significance. Last evaluated: 2026-09-01. Review status: criteria provided, single submitter. Criteria: CeGaT Center For Human Genetics Tuebingen Variant Classification Criteria Version 2. Collection method: clinical testing. Allele origin: germline. Affected: yes. Observed: 1 variant allele.
Comment: POLK: PM2, BP4